The following is an entry in ClinVar:

NM_001103.4(ACTN2):c.2148G>A (p.Thr716=)

Gene: ACTN2 (actinin alpha 2; plus strand). Cytogenetic location: 1q43.
Variant type: single nucleotide variant.
Coding change: c.2148G>A on transcript NM_001103.4 (MANE Select); coding-DNA position 2148, G replaced by A.
Protein change: p.Thr716=; no amino-acid change (threonine 716 retained).
Molecular consequence: synonymous variant.
Genome position (GRCh38, 1-based): chr1:236,755,192, G>A. VCF-style: chr1-236755192-G-A. GRCh37 (hg19) VCF-style: chr1-236918492-G-A.
Other names: c.2148G>A, p.Thr716= (NM_001278343.2); c.1524G>A, p.Thr508= (NM_001278344.2).
Identifiers: ClinVar variation 227174 (VCV000227174.39), dbSNP rs191631773, ClinGen allele CA1473353.

ClinVar aggregate classification (germline): Likely benign. Review status: criteria provided, multiple submitters, no conflicts (2 of 4 stars). 10 submissions from 10 submitters: Likely benign (8). 2 of the submissions do not count toward it. Last evaluated 2026-04-21.

Conditions:
ACTN2-related disorder. Also called: ACTN2 related condition; ACTN2-related disorders.
Cardiovascular phenotype. Identifiers: MedGen CN230736.
Primary familial hypertrophic cardiomyopathy (HCM). Identifiers: Orphanet 99739, MedGen C0949658, MeSH D024741, MONDO:0024573. Inheritance: Various modes of inheritance.
Dilated cardiomyopathy 1AA (CMD1AA). Also called: Cardiomyopathy, dilated, 1AA, with or without LVNC; CARDIOMYOPATHY, DILATED, 1AA, WITH OR WITHOUT LEFT VENTRICULAR NONCOMPACTION; CARDIOMYOPATHY, FAMILIAL HYPERTROPHIC, 23, WITH OR WITHOUT LEFT VENTRICULAR NONCOMPACTION. Identifiers: Orphanet 154, MedGen C2677338, MONDO:0012808, OMIM 612158.
Cardiomyopathy (CMYO). Also called: Cardiomyopathies. Identifiers: Orphanet 167848, MedGen C0878544, MONDO:0004994, HP:0001638. Inheritance: Various modes of inheritance.

Allele frequency attached by ClinVar (database versions not stated): ESP Exome Variant Server 0.00008; ExAC 0.00009; gnomAD 0.00010; gnomAD exomes 0.00013; 1000 Genomes Project 30x 0.00016; TOPMed 0.00018; 1000 Genomes Project 0.00020.
gnomAD v4.1: 102 of 1,614,154 alleles (0.0063%); highest among the groups gnomAD compares: East Asian, 0.074%; no homozygotes.

Submissions (10):

PreventionGenetics, part of Exact Sciences
Classification: Likely benign for ACTN2-related condition. Last evaluated: 2026-04-21. Review status: criteria provided, single submitter. Criteria: ACMG Guidelines, 2015. Collection method: clinical testing. Allele origin: germline.
Comment: This variant is classified as likely benign based on ACMG/AMP sequence variant interpretation guidelines (Richards et al. 2015 PMID: 25741868, with internal and published modifications).

Labcorp Genetics (formerly Invitae), Labcorp
Classification: Likely benign for Primary familial hypertrophic cardiomyopathy; Dilated cardiomyopathy 1AA. Last evaluated: 2026-01-14. Review status: criteria provided, single submitter. Criteria: Invitae Variant Classification Sherloc (09022015). Collection method: clinical testing. Allele origin: germline.

CeGaT Center for Human Genetics Tuebingen
Classification: Likely benign. Last evaluated: 2024-12-01. Review status: criteria provided, single submitter. Criteria: CeGaT Center For Human Genetics Tuebingen Variant Classification Criteria Version 2. Collection method: clinical testing. Allele origin: germline. Affected: yes. Observed: 1 variant allele.
Comment: ACTN2: BP4, BP7

Blueprint Genetics
Classification: Likely benign. Last evaluated: 2024-11-20. Review status: criteria provided, single submitter. Criteria: ACMG Guidelines, 2015. Collection method: clinical testing. Allele origin: germline.

GeneDx
Classification: Likely benign. Last evaluated: 2021-03-23. Review status: criteria provided, single submitter. Criteria: GeneDx Variant Classification Process June 2021. Collection method: clinical testing. Allele origin: germline. Affected: yes.

Ambry Genetics
Classification: Likely benign for Cardiovascular phenotype. Last evaluated: 2018-02-13. Review status: criteria provided, single submitter. Criteria: Ambry Variant Classification Scheme 2023. Collection method: clinical testing. Allele origin: germline.

CHEO Genetics Diagnostic Laboratory, Children's Hospital of Eastern Ontario
Classification: Likely benign for Cardiomyopathy. Last evaluated: 2016-09-26. Review status: criteria provided, single submitter. Criteria: ACMG Guidelines, 2015. Collection method: clinical testing. Allele origin: germline. Study: Canadian Open Genetics Repository.

Laboratory for Molecular Medicine, Mass General Brigham Personalized Medicine
Classification: Likely benign. Last evaluated: 2015-03-13. Review status: criteria provided, single submitter. Criteria: LMM Criteria. Collection method: clinical testing. Allele origin: germline. Observed: 2 variant alleles.
Comment: p.Thr716Thr in exon 17 of ACTN2: This variant is not expected to have clinical s ignificance because it does not alter an amino acid residue and is not located w ithin the splice consensus sequence. It has been identified in 6/8622 East Asian chromosomes by the Exome Aggregation Consortium (ExAC; dbSNP rs191631773).

Clinical Genetics DNA and cytogenetics Diagnostics Lab, Erasmus MC, Erasmus Medical Center
Classification: Likely benign. Review status: no assertion criteria provided. Collection method: clinical testing. Allele origin: germline. Affected: yes. Study: VKGL Data-share Consensus. Not counted in ClinVar's aggregate classification.

Clinical Genetics, Academic Medical Center
Classification: Benign. Review status: no assertion criteria provided. Collection method: clinical testing. Allele origin: germline. Affected: yes. Study: VKGL Data-share Consensus. Not counted in ClinVar's aggregate classification.